The following is an entry in ClinVar:

NM_014361.4(CNTN5):c.3194A>T (p.Tyr1065Phe)

Gene: CNTN5 (contactin 5; plus strand). Cytogenetic location: 11q22.1.
Variant type: single nucleotide variant.
Coding change: c.3194A>T on transcript NM_014361.4 (MANE Select); coding-DNA position 3194, A replaced by T.
Protein change: p.Tyr1065Phe; replaces tyrosine 1065 with phenylalanine.
Molecular consequence: missense variant.
Genome position (GRCh38, 1-based): chr11:100,350,865, A>T. VCF-style: chr11-100350865-A-T. GRCh37 (hg19) VCF-style: chr11-100221596-A-T.
Other names: NC_000011.9:g.100221596A>T; c.3194A>T, p.Tyr1065Phe (NM_001243270.2); c.2972A>T, p.Tyr991Phe (NM_175566.2); short protein forms Y991F, Y1065F.
Identifiers: ClinVar variation 773658 (VCV000773658.8), dbSNP rs1944169, ClinGen allele CA6242950.
Genomic context (GRCh38, chr11:100,350,865, plus strand): 5'-TTCGAGCATATAGTGAAGGAGGAGATGGAACAGCTAGTTCTCAAATTAGGGTACCATCAT[A>T]TTCAGGTAAGTTTTGACACAGTAGATTTAATTTGCTGACAACCAACAATTACGAGATGGT-3'
Protein context (NP_055176.1, residues 1055-1075): TASSQIRVPS[Tyr1065Phe]SGGKITSAQS

ClinVar aggregate classification (germline): Benign. Review status: criteria provided, multiple submitters, no conflicts (2 of 4 stars). 3 submissions from 3 submitters: Benign (2). 1 of the submissions does not count toward it. Last evaluated 2019-12-31.

Conditions:
CNTN5-related disorder. Also called: CNTN5-related condition.

Allele frequency attached by ClinVar (database versions not stated): 1000 Genomes Project 0.03714; 1000 Genomes Project 30x 0.03888; gnomAD exomes 0.00288 and 0.00690; TOPMed 0.03150; ExAC 0.00878; ESP Exome Variant Server 0.02686; gnomAD 0.02836 and 0.03010.
gnomAD v4.1: 8,572 of 1,567,030 alleles (0.55%); highest among the groups gnomAD compares: African/African-American, 9.6%; 372 homozygotes.

Submissions (4):

Labcorp Genetics (formerly Invitae), Labcorp
Classification: Benign. Last evaluated: 2019-12-31. Review status: criteria provided, single submitter. Criteria: Invitae Variant Classification Sherloc (09022015). Collection method: clinical testing. Allele origin: germline.

Breakthrough Genomics
Classification: Benign. Review status: criteria provided, single submitter. Criteria: ACMG Guidelines, 2015. Collection method: not provided. Allele origin: germline. Inheritance: Unknown mechanism. Affected: yes.

PreventionGenetics, part of Exact Sciences
Classification: Benign for CNTN5-related condition. Last evaluated: 2019-12-04. Review status: no assertion criteria provided. Collection method: clinical testing. Allele origin: germline. Not counted in ClinVar's aggregate classification.
Comment: This variant is classified as benign based on ACMG/AMP sequence variant interpretation guidelines (Richards et al. 2015 PMID: 25741868, with internal and published modifications).

Dr. Peter K. Rogan Lab, Western University
No classification provided (evidence only). Condition: Clear cell carcinoma of kidney. Review status: no classification provided. Collection method: in vitro. Allele origin: not applicable. Functional consequence: retained intron. Not counted in ClinVar's aggregate classification.